The following is an entry in ClinVar:

ClinVar aggregate classification (germline): Uncertain significance (1 of 4 stars; one submission).

Submission:

GeneDx
Classification: Uncertain significance. Last evaluated: 2023-10-06. Review status: criteria provided, single submitter. Criteria: GeneDx Variant Classification Process June 2021. Collection method: clinical testing. Allele origin: germline.
Comment: Not observed at significant frequency in large population cohorts (gnomAD); In silico analysis supports that this missense variant has a deleterious effect on protein structure/function; Has not been previously published as pathogenic or benign to our knowledge; Variants in candidate genes are classified as variants of uncertain significance in accordance with ACMG guidelines (Richards et al., 2015)

NM_014921.5(ADGRL1):c.2411A>G (p.Glu804Gly)

Genes: ADGRL1 (adhesion G protein-coupled receptor L1; minus strand), ADGRL1-AS1 (ADGRL1 antisense RNA 1; plus strand). Cytogenetic location: 19p13.12.
Variant type: single nucleotide variant.
Coding change: c.2411A>G on transcript NM_014921.5 (MANE Select); coding-DNA position 2411, A replaced by G.
Protein change: p.Glu804Gly; replaces glutamic acid 804 with glycine.
Molecular consequence: missense variant.
Genome position (GRCh38, 1-based): chr19:14,158,006, T>C on the plus strand (A>G on the coding strand, the complement: ADGRL1 is on the minus strand). VCF-style: chr19-14158006-T-C. GRCh37 (hg19) VCF-style: chr19-14268818-T-C.
Other names: c.2426A>G, p.Glu809Gly (NM_001008701.3); short protein forms E804G, E809G.
Identifiers: ClinVar variation 4891403 (VCV004891403.1).